The following is an entry in ClinVar:

ClinVar aggregate classification (germline): Likely benign. Review status: criteria provided, multiple submitters, no conflicts (2 of 4 stars). 2 submissions from 2 submitters: Likely benign (2). Last evaluated 2025-06-09.

Conditions:
Cohen syndrome (COH1). Also called: Cutis verticis gyrata, retinitis pigmentosa, and sensorineural deafness; PEPPER SYNDROME. Identifiers: Orphanet 193, MedGen C0265223, MONDO:0008999, OMIM 216550.
VPS13B-related disorder. Also called: VPS13B-related condition.

Allele frequency attached by ClinVar (database versions not stated): gnomAD exomes below 0.00001; gnomAD 0.00001.

Submissions (2):

Labcorp Genetics (formerly Invitae), Labcorp
Classification: Likely benign for Cohen syndrome. Last evaluated: 2025-06-09. Review status: criteria provided, single submitter. Criteria: Invitae Variant Classification Sherloc (09022015). Collection method: clinical testing. Allele origin: germline.

PreventionGenetics, part of Exact Sciences
Classification: Likely benign for VPS13B-related condition. Last evaluated: 2024-12-23. Review status: criteria provided, single submitter. Criteria: ACMG Guidelines, 2015. Collection method: clinical testing. Allele origin: germline.
Comment: This variant is classified as likely benign based on ACMG/AMP sequence variant interpretation guidelines (Richards et al. 2015 PMID: 25741868, with internal and published modifications).

NM_152564.5(VPS13B):c.11495+7_11495+8del

Gene: VPS13B (vacuolar protein sorting 13 homolog B; plus strand). Cytogenetic location: 8q22.2.
Variant type: Deletion.
Coding change: c.11495+7_11495+8del on transcript NM_152564.5 (MANE Select); bases 7 to 8 of the intron after coding-DNA position 11495, 2 bases deleted (TT; older notation c.11495+7_11495+8delTT).
Molecular consequence: intron variant.
Genome position (GRCh38, 1-based): chr8:99,870,894-99,870,895, TT deleted. VCF-style (leftmost placement, unchanged base first): chr8-99870893-ATT-A. GRCh37 (hg19) VCF-style: chr8-100883121-ATT-A.
Other names: c.11570+7_11570+8delTT (NM_017890.4); c.11495+7_11495+8delTT (NM_152564.4); c.11570+7_11570+8del (NM_017890.5).
Identifiers: ClinVar variation 746167 (VCV000746167.10), dbSNP rs1588810879, ClinGen allele CA915948830.